The following is an entry in ClinVar:

ClinVar aggregate classification (germline): Uncertain significance (1 of 4 stars; one submission).

gnomAD v4.1: 19 of 1,585,058 alleles (0.0012%); highest among the groups gnomAD compares: Non-Finnish European, 0.0016%; no homozygotes.

Submission:

Labcorp Genetics (formerly Invitae), Labcorp
Classification: Uncertain significance. Last evaluated: 2025-04-23. Review status: criteria provided, single submitter. Criteria: Invitae Variant Classification Sherloc (09022015). Collection method: clinical testing. Allele origin: germline.
Comment: This sequence change replaces tryptophan, which is neutral and slightly polar, with cysteine, which is neutral and slightly polar, at codon 107 of the SLC46A1 protein (p.Trp107Cys). This variant is present in population databases (rs569488490, gnomAD 0.002%). This variant has not been reported in the literature in individuals affected with SLC46A1-related conditions. Invitae Evidence Modeling of protein sequence and biophysical properties (such as structural, functional, and spatial information, amino acid conservation, physicochemical variation, residue mobility, and thermodynamic stability) indicates that this missense variant is expected to disrupt SLC46A1 protein function with a positive predictive value of 80%. Experimental studies are conflicting or provide insufficient evidence to determine the effect of this variant on SLC46A1 function (PMID: 27251438). In summary, the available evidence is currently insufficient to determine the role of this variant in disease. Therefore, it has been classified as a Variant of Uncertain Significance.

Literature cited by the submitters: PubMed 27251438.

NM_080669.6(SLC46A1):c.321G>C (p.Trp107Cys)

Gene: SLC46A1 (solute carrier family 46 member 1; minus strand). Cytogenetic location: 17q11.2.
Variant type: single nucleotide variant.
Coding change: c.321G>C on transcript NM_080669.6 (MANE Select); coding-DNA position 321, G replaced by C.
Protein change: p.Trp107Cys; replaces tryptophan 107 with cysteine.
Molecular consequence: missense variant.
Genome position (GRCh38, 1-based): chr17:28,405,376, C>G on the plus strand (G>C on the coding strand, the complement: SLC46A1 is on the minus strand). VCF-style: chr17-28405376-C-G. GRCh37 (hg19) VCF-style: chr17-26732394-C-G.
Other names: c.321G>C, p.Trp107Cys (NM_001242366.3); short protein forms W107C.
Identifiers: ClinVar variation 4807770 (VCV004807770.1).